The following is an entry in ClinVar:

ClinVar aggregate classification (germline): Uncertain significance. Review status: criteria provided, multiple submitters, no conflicts (2 of 4 stars). 3 submissions from 3 submitters: Uncertain significance (3). Last evaluated 2025-04-25.

Conditions:
Prolidase deficiency. Identifiers: Orphanet 742, MedGen C0268532, MONDO:0008221, OMIM 170100.
Inborn genetic diseases. Identifiers: MedGen C0950123, MeSH D030342.

Allele frequency attached by ClinVar (database versions not stated): TOPMed 0.00006; ExAC 0.00011.
gnomAD v4.1: 42 of 1,597,322 alleles (0.0026%); highest among the groups gnomAD compares: Admixed American, 0.017%; no homozygotes.

Submissions (3):

Ambry Genetics
Classification: Uncertain significance for Inborn genetic diseases. Last evaluated: 2025-04-25. Review status: criteria provided, single submitter. Criteria: Ambry Variant Classification Scheme 2023. Collection method: clinical testing. Allele origin: germline.

Labcorp Genetics (formerly Invitae), Labcorp
Classification: Uncertain significance. Last evaluated: 2022-08-11. Review status: criteria provided, single submitter. Criteria: Invitae Variant Classification Sherloc (09022015). Collection method: clinical testing. Allele origin: germline.
Comment: This sequence change replaces arginine, which is basic and polar, with histidine, which is basic and polar, at codon 431 of the PEPD protein (p.Arg431His). This variant is present in population databases (rs763642654, gnomAD 0.03%). This variant has not been reported in the literature in individuals affected with PEPD-related conditions. ClinVar contains an entry for this variant (Variation ID: 328792). Algorithms developed to predict the effect of missense changes on protein structure and function (SIFT, PolyPhen-2, Align-GVGD) all suggest that this variant is likely to be tolerated. In summary, the available evidence is currently insufficient to determine the role of this variant in disease. Therefore, it has been classified as a Variant of Uncertain Significance.

Illumina Laboratory Services, Illumina
Classification: Uncertain significance for Prolidase deficiency. Last evaluated: 2018-01-13. Review status: criteria provided, single submitter. Criteria: ICSL Variant Classification Criteria 13 December 2019. Collection method: clinical testing. Allele origin: germline.

NM_000285.4(PEPD):c.1292G>A (p.Arg431His)

Gene: PEPD (peptidase D; minus strand). Cytogenetic location: 19q13.11.
Variant type: single nucleotide variant.
Coding change: c.1292G>A on transcript NM_000285.4 (MANE Select); coding-DNA position 1292, G replaced by A.
Protein change: p.Arg431His; replaces arginine 431 with histidine.
Molecular consequence: missense variant.
Genome position (GRCh38, 1-based): chr19:33,387,942, C>T on the plus strand (G>A on the coding strand, the complement: PEPD is on the minus strand). VCF-style: chr19-33387942-C-T. GRCh37 (hg19) VCF-style: chr19-33878848-C-T.
Other names: c.1169G>A, p.Arg390His (NM_001166056.2); c.1100G>A, p.Arg367His (NM_001166057.2); short protein forms R431H, R367H, R390H.
Identifiers: ClinVar variation 328792 (VCV000328792.8), dbSNP rs763642654, ClinGen allele CA9363938.